The following is an entry in ClinVar:

NM_001457.4(FLNB):c.2641A>C (p.Asn881His)

Gene: FLNB (filamin B; plus strand). Cytogenetic location: 3p14.3.
Variant type: single nucleotide variant.
Coding change: c.2641A>C on transcript NM_001457.4 (MANE Select); coding-DNA position 2641, A replaced by C.
Protein change: p.Asn881His; replaces asparagine 881 with histidine.
Molecular consequence: missense variant.
Genome position (GRCh38, 1-based): chr3:58,112,214, A>C. VCF-style: chr3-58112214-A-C. GRCh37 (hg19) VCF-style: chr3-58097941-A-C.
Other names: c.2641A>C (NM_001457.3); c.2641A>C, p.Asn881His (NM_001164317.2, NM_001164318.2, NM_001164319.2); short protein forms N881H.
Identifiers: ClinVar variation 2175901 (VCV002175901.7), dbSNP rs372200549, ClinGen allele CA2468190.
Genomic context (GRCh38, chr3:58,112,214, plus strand): 5'-GAAAATGGGAAACCGACCCACTTCACTGTCTACACCAAGGGGGCTGGGAAAGCCCCGCTC[A>C]ACGTGCAGTTCAACAGCCCTCTTCCTGGCGATGCAGTGAAGGATTTGGATATCATCGATA-3'
Protein context (NP_001448.2, residues 871-891): YTKGAGKAPL[Asn881His]VQFNSPLPGD

ClinVar aggregate classification (germline): Uncertain significance. Review status: criteria provided, multiple submitters, no conflicts (2 of 4 stars). 4 submissions from 4 submitters: Uncertain significance (4). Last evaluated 2025-12-21.

Conditions:
Inborn genetic diseases. Identifiers: MedGen C0950123, MeSH D030342.

Allele frequency attached by ClinVar (database versions not stated): ExAC 0.00002; gnomAD exomes 0.00002; gnomAD 0.00003; TOPMed 0.00003; ESP Exome Variant Server 0.00015.
gnomAD v4.1: 31 of 1,614,046 alleles (0.0019%); highest among the groups gnomAD compares: Non-Finnish European, 0.0025%; no homozygotes.

Submissions (4):

Labcorp Genetics (formerly Invitae), Labcorp
Classification: Uncertain significance. Last evaluated: 2025-12-21. Review status: criteria provided, single submitter. Criteria: Invitae Variant Classification Sherloc (09022015). Collection method: clinical testing. Allele origin: germline.
Comment: This sequence change replaces asparagine, which is neutral and polar, with histidine, which is basic and polar, at codon 881 of the FLNB protein (p.Asn881His). This variant is present in population databases (rs372200549, gnomAD 0.003%). This variant has not been reported in the literature in individuals affected with FLNB-related conditions. ClinVar contains an entry for this variant (Variation ID: 2175901). Invitae Evidence Modeling of protein sequence and biophysical properties (such as structural, functional, and spatial information, amino acid conservation, physicochemical variation, residue mobility, and thermodynamic stability) indicates that this missense variant is not expected to disrupt FLNB protein function with a negative predictive value of 95%. In summary, the available evidence is currently insufficient to determine the role of this variant in disease. Therefore, it has been classified as a Variant of Uncertain Significance.

Ambry Genetics
Classification: Uncertain significance for Inborn genetic diseases. Last evaluated: 2025-06-29. Review status: criteria provided, single submitter. Criteria: Ambry Variant Classification Scheme 2023. Collection method: clinical testing. Allele origin: germline.

Women's Health and Genetics/Laboratory Corporation of America, LabCorp
Classification: Uncertain significance. Last evaluated: 2025-06-26. Review status: criteria provided, single submitter. Criteria: LabCorp Variant Classification Summary - May 2015. Collection method: clinical testing. Allele origin: germline.
Comment: Variant summary: FLNB c.2641A>C (p.Asn881His) results in a conservative amino acid change in the encoded protein sequence. Algorithms developed to predict the effect of missense changes on protein structure and function are either unavailable or do not agree on the potential impact of this missense change. The variant allele was found at a frequency of 1.2e-05 in 251308 control chromosomes. The available data on variant occurrences in the general population are insufficient to allow any conclusion about variant significance. To our knowledge, no occurrence of c.2641A>C in individuals affected with Larsen Syndrome and no experimental evidence demonstrating its impact on protein function have been reported. ClinVar contains an entry for this variant (Variation ID: 2175901). Based on the evidence outlined above, the variant was classified as uncertain significance.

Blueprint Genetics
Classification: Uncertain significance. Last evaluated: 2024-11-25. Review status: criteria provided, single submitter. Criteria: ACMG Guidelines, 2015. Collection method: clinical testing. Allele origin: germline.